The following is an entry in ClinVar:

ClinVar aggregate classification (germline): Uncertain significance (1 of 4 stars; one submission).

Allele frequency attached by ClinVar (database versions not stated): gnomAD exomes 0.00001 and 0.00002; ExAC 0.00002; TOPMed 0.00002; gnomAD 0.00003.
gnomAD v4.1: 18 of 1,613,890 alleles (0.0011%); highest among the groups gnomAD compares: Non-Finnish European, 0.0015%; no homozygotes.

Submission:

Labcorp Genetics (formerly Invitae), Labcorp
Classification: Uncertain significance. Last evaluated: 2025-04-28. Review status: criteria provided, single submitter. Criteria: Invitae Variant Classification Sherloc (09022015). Collection method: clinical testing. Allele origin: germline.
Comment: This sequence change replaces serine, which is neutral and polar, with glycine, which is neutral and non-polar, at codon 1028 of the ADGRA3 protein (p.Ser1028Gly). This variant is present in population databases (rs772085550, gnomAD 0.004%). This variant has not been reported in the literature in individuals affected with ADGRA3-related conditions. ClinVar contains an entry for this variant (Variation ID: 1396926). An algorithm developed to predict the effect of missense changes on protein structure and function (PolyPhen-2) suggests that this variant is likely to be disruptive. In summary, the available evidence is currently insufficient to determine the role of this variant in disease. Therefore, it has been classified as a Variant of Uncertain Significance.

NM_145290.4(ADGRA3):c.3082A>G (p.Ser1028Gly)

Gene: ADGRA3 (adhesion G protein-coupled receptor A3; minus strand). Cytogenetic location: 4p15.2.
Variant type: single nucleotide variant.
Coding change: c.3082A>G on transcript NM_145290.4 (MANE Select); coding-DNA position 3082, A replaced by G.
Protein change: p.Ser1028Gly; replaces serine 1028 with glycine.
Molecular consequence: missense variant.
Genome position (GRCh38, 1-based): chr4:22,388,589, T>C on the plus strand (A>G on the coding strand, the complement: ADGRA3 is on the minus strand). VCF-style: chr4-22388589-T-C. GRCh37 (hg19) VCF-style: chr4-22390212-T-C.
Other names: short protein forms S1028G.
Identifiers: ClinVar variation 1396926 (VCV001396926.8), dbSNP rs772085550, ClinGen allele CA2873447.